The following is an entry in ClinVar:

NM_018218.2:c.7C>G

Gene: USP40 (ubiquitin specific peptidase 40; minus strand).
Variant type: single nucleotide variant.
Identifiers: ClinVar variation 4197615 (VCV004197615.1).

ClinVar aggregate classification (germline): Uncertain significance (1 of 4 stars; one submission).

Submission:

Ambry Genetics
Classification: Uncertain significance. Last evaluated: 2025-06-22. Review status: criteria provided, single submitter. Criteria: Ambry Variant Classification Scheme 2023. Collection method: clinical testing. Allele origin: germline.
Comment: The c.7C>G (p.L3V) alteration is located in exon (coding exon ) of the USP40 gene. This alteration results from a C to G substitution at nucleotide position 7, causing the leucine (L) at amino acid position 3 to be replaced by a valine (V). Based on insufficient or conflicting evidence, the clinical significance of this alteration remains unclear.